The following is an entry in ClinVar:

NM_000256.3(MYBPC3):c.2737+20A>G

Gene: MYBPC3 (myosin binding protein C3; minus strand). Cytogenetic location: 11p11.2.
Variant type: single nucleotide variant.
Coding change: c.2737+20A>G on transcript NM_000256.3 (MANE Select); 20 bases into the intron after coding-DNA position 2737, A replaced by G.
Molecular consequence: intron variant.
Genome position (GRCh38, 1-based): chr11:47,335,857, T>C on the plus strand (A>G on the coding strand, the complement: MYBPC3 is on the minus strand). VCF-style: chr11-47335857-T-C. GRCh37 (hg19) VCF-style: chr11-47357408-T-C.
Identifiers: ClinVar variation 1065134 (VCV001065134.8), dbSNP rs2095881689, ClinGen allele CA2499220966.

ClinVar aggregate classification (germline): Likely benign. Review status: criteria provided, multiple submitters, no conflicts (2 of 4 stars). 2 submissions from 2 submitters: Likely benign (2). Last evaluated 2025-01-09.

Conditions:
Hypertrophic cardiomyopathy. Also called: HYPERTROPHIC MYOCARDIOPATHY. Identifiers: Orphanet 217569, MedGen C0007194, MeSH D002312, MONDO:0005045, HP:0001639.

Submissions (2):

Women's Health and Genetics/Laboratory Corporation of America, LabCorp
Classification: Likely benign. Last evaluated: 2025-01-09. Review status: criteria provided, single submitter. Criteria: LabCorp Variant Classification Summary - May 2015. Collection method: clinical testing. Allele origin: germline.
Comment: Variant summary: MYBPC3 c.2737+20A>G alters a nucleotide located at a position not widely known to affect splicing. Consensus agreement among computation tools predict no significant impact on normal splicing (TrAP). However, these predictions have yet to be confirmed by functional studies. The frequency data for this variant in gnomAD is considered unreliable, as metrics indicate poor data quality at this position. To our knowledge, no occurrence of c.2737+20A>G in individuals affected with Cardiomyopathy and no experimental evidence demonstrating its impact on protein function have been reported. ClinVar contains an entry for this variant (Variation ID: 1065134). Based on the evidence outlined above, the variant was classified as likely benign.

Labcorp Genetics (formerly Invitae), Labcorp
Classification: Likely benign for Hypertrophic cardiomyopathy. Last evaluated: 2022-05-21. Review status: criteria provided, single submitter. Criteria: Invitae Variant Classification Sherloc (09022015). Collection method: clinical testing. Allele origin: germline.